The following is an entry in ClinVar:

NM_000388.4(CASR):c.2370T>G (p.Phe790Leu)

Gene: CASR (calcium sensing receptor; plus strand). Cytogenetic location: 3q21.1.
Variant type: single nucleotide variant.
Coding change: c.2370T>G on transcript NM_000388.4 (MANE Select); coding-DNA position 2370, T replaced by G.
Protein change: p.Phe790Leu; replaces phenylalanine 790 with leucine.
Molecular consequence: missense variant.
Genome position (GRCh38, 1-based): chr3:122,284,324, T>G. VCF-style: chr3-122284324-T-G. GRCh37 (hg19) VCF-style: chr3-122003171-T-G.
Other names: c.2400T>G, p.Phe800Leu (NM_001178065.2); short protein forms F790L, F800L.
Identifiers: ClinVar variation 2009846 (VCV002009846.4), dbSNP rs2473279753, ClinGen allele CA354159649.

ClinVar aggregate classification (germline): Uncertain significance (1 of 4 stars; one submission).

Conditions:
Autosomal dominant hypocalcemia 1 (HYPOC1). Also called: HYPOCALCEMIA, FAMILIAL. Identifiers: MedGen C3715128, MONDO:0011013, OMIM 601198.
Familial hypocalciuric hypercalcemia (FHH). Also called: Familial benign hypercalcemia. Identifiers: Orphanet 405, MedGen C1809471, MONDO:0018458.

Submission:

Labcorp Genetics (formerly Invitae), Labcorp
Classification: Uncertain significance for Familial hypocalciuric hypercalcemia; Autosomal dominant hypocalcemia 1. Last evaluated: 2022-06-23. Review status: criteria provided, single submitter. Criteria: Invitae Variant Classification Sherloc (09022015). Collection method: clinical testing. Allele origin: germline.
Comment: In summary, the available evidence is currently insufficient to determine the role of this variant in disease. Therefore, it has been classified as a Variant of Uncertain Significance. This variant disrupts the p.Phe790 amino acid residue in CASR. Other variant(s) that disrupt this residue have been determined to be pathogenic (PMID: 21185797). This suggests that this residue is clinically significant, and that variants that disrupt this residue are likely to be disease-causing. Algorithms developed to predict the effect of missense changes on protein structure and function are either unavailable or do not agree on the potential impact of this missense change (SIFT: "Deleterious"; PolyPhen-2: "Probably Damaging"; Align-GVGD: "Class C15"). This variant has not been reported in the literature in individuals affected with CASR-related conditions. This variant is not present in population databases (gnomAD no frequency). This sequence change replaces phenylalanine, which is neutral and non-polar, with leucine, which is neutral and non-polar, at codon 790 of the CASR protein (p.Phe790Leu).

Literature cited by the submitters: PubMed 21185797.